The following is an entry in ClinVar:

ClinVar aggregate classification (germline): Pathogenic. Review status: criteria provided, multiple submitters, no conflicts (2 of 4 stars). 2 submissions from 2 submitters: Pathogenic (2). Last evaluated 2026-06-12.

Conditions:
Glucose-6-phosphate transport defect (GSD1B). Also called: Glycogen Storage Disease Type Ib; GSD Ib. Identifiers: Orphanet 364, Orphanet 79259, MedGen C0268146, MONDO:0009288, OMIM 232220.
Glycogen storage disease, type I. Identifiers: Orphanet 364, MedGen C0017920, MONDO:0002413.

Allele frequency attached by ClinVar (database versions not stated): gnomAD exomes below 0.00001.

Submissions (2):

Myriad Genetics, Inc.
Classification: Pathogenic for Glycogen storage disease, type I. Last evaluated: 2026-06-12. Review status: criteria provided, single submitter. Criteria: Myriad Autosomal Dominant, Autosomal Recessive and X-Linked Classification Criteria (2023). Collection method: clinical testing. Allele origin: unknown.
Comment: NM_001164277.1(SLC37A4):c.413G>A(W138*) is a nonsense variant classified as pathogenic in the context of glycogen storage disease type Ib. W138* has not been observed in cases with relevant disease. Relevant functional assessments of this variant are not available in the literature. W138* has not been observed in referenced population frequency databases. In summary, NM_001164277.1(SLC37A4):c.413G>A(W138*) is a nonsense variant in a gene where loss of function is a known mechanism of disease and is predicted to disrupt protein function. Please note: this variant was assessed in the context of healthy population screening.

Labcorp Genetics (formerly Invitae), Labcorp
Classification: Pathogenic for Glucose-6-phosphate transport defect. Last evaluated: 2022-11-23. Review status: criteria provided, single submitter. Criteria: Invitae Variant Classification Sherloc (09022015). Collection method: clinical testing. Allele origin: germline.
Comment: For these reasons, this variant has been classified as Pathogenic. This variant has not been reported in the literature in individuals affected with SLC37A4-related conditions. This variant is not present in population databases (gnomAD no frequency). This sequence change creates a premature translational stop signal (p.Trp138*) in the SLC37A4 gene. It is expected to result in an absent or disrupted protein product. Loss-of-function variants in SLC37A4 are known to be pathogenic (PMID: 9758626, 10940311).

Literature cited by the submitters: PubMed 9758626 (cited by Labcorp Genetics (formerly Invitae), Labcorp); PubMed 10940311 (cited by Labcorp Genetics (formerly Invitae), Labcorp).

NM_001164277.2(SLC37A4):c.413G>A (p.Trp138Ter)

Gene: SLC37A4 (solute carrier family 37 member 4; minus strand). Cytogenetic location: 11q23.3.
Variant type: single nucleotide variant.
Coding change: c.413G>A on transcript NM_001164277.2 (MANE Select); coding-DNA position 413, G replaced by A.
Protein change: p.Trp138Ter; replaces tryptophan 138 with a stop codon.
Molecular consequence: nonsense.
Genome position (GRCh38, 1-based): chr11:119,027,841, C>T on the plus strand (G>A on the coding strand, the complement: SLC37A4 is on the minus strand). VCF-style: chr11-119027841-C-T. GRCh37 (hg19) VCF-style: chr11-118898551-C-T.
Other names: c.413G>A, p.Trp138Ter (NM_001164278.2, NM_001164280.2, NM_001467.6); c.194G>A, p.Trp65Ter (NM_001164279.2); short protein forms W65*, W138*.
Identifiers: ClinVar variation 2816122 (VCV002816122.4), dbSNP rs2497029561, ClinGen allele CA382903841.